The following is an entry in ClinVar:

ClinVar aggregate classification (germline): Conflicting classifications of pathogenicity. Review status: criteria provided, conflicting classifications (1 of 4 stars). 5 submissions from 1 submitter: Uncertain significance (3); Benign (2). Last evaluated 2018-01-13.

Conditions:
Early-onset myopathy with fatal cardiomyopathy (CMYO5). Also called: CONGENITAL MYOPATHY 5 WITH CARDIOMYOPATHY; Salih Myopathy. Identifiers: Orphanet 289377, MedGen C2673677, MONDO:0012714, OMIM 611705. Disease mechanism: loss of function.
Myopathy, myofibrillar, 9, with early respiratory failure (MFM9). Also called: Myopathy, distal, with early respiratory failure, autosomal dominant; Hereditary myopathy with early respiratory failure; EDSTROM MYOPATHY; MYOPATHY, PROXIMAL, WITH EARLY RESPIRATORY MUSCLE INVOLVEMENT. Identifiers: Orphanet 178464, Orphanet 34521, MedGen C1863599, MONDO:0011362, OMIM 603689.
Autosomal recessive limb-girdle muscular dystrophy type 2J (LGMDR10). Also called: MUSCULAR DYSTROPHY, LIMB-GIRDLE, AUTOSOMAL RECESSIVE 10; Limb-girdle muscular dystrophy, type 2J. Identifiers: Orphanet 140922, MedGen C1837342, MONDO:0012127, OMIM 608807.
Tibial muscular dystrophy (TMD). Also called: Udd Distal Myopathy – Tibial Muscular Dystrophy; UDD MYOPATHY; Tibial muscular dystrophy, tardive. Identifiers: Orphanet 609, MedGen C1838244, MONDO:0010870, OMIM 600334.
Dilated cardiomyopathy 1G (CMD1G). Identifiers: Orphanet 154, MedGen C1858763, MONDO:0011400, OMIM 604145.

Allele frequency attached by ClinVar (database versions not stated): 1000 Genomes Project 0.00100; 1000 Genomes Project 30x 0.00141; gnomAD 0.00289 and 0.00294; TOPMed 0.00334.

Submissions (5):

Illumina Laboratory Services, Illumina
Classification: Benign for Myopathy, myofibrillar, 9, with early respiratory failure. Last evaluated: 2018-01-13. Review status: criteria provided, single submitter. Criteria: ICSL Variant Classification Criteria 13 December 2019. Collection method: clinical testing. Allele origin: germline.
Comment: This variant was observed in the ICSL laboratory as part of a predisposition screen in an ostensibly healthy population. It had not been previously curated by ICSL or reported in the Human Gene Mutation Database (HGMD: prior to June 1st, 2018), and was therefore a candidate for classification through an automated scoring system. Utilizing variant allele frequency, disease prevalence and penetrance estimates, and inheritance mode, an automated score was calculated to assess if this variant is too frequent to cause the disease. Based on the score and internal cut-off values, a variant classified as benign is not then subjected to further curation. The score for this variant resulted in a classification of benign for this disease.

Illumina Laboratory Services, Illumina
Classification: Benign for Tibial muscular dystrophy. Last evaluated: 2018-01-13. Review status: criteria provided, single submitter. Criteria: ICSL Variant Classification Criteria 13 December 2019. Collection method: clinical testing. Allele origin: germline.
Comment: the same text as in the submission from Illumina Laboratory Services, Illumina above.

Illumina Laboratory Services, Illumina
Classification: Uncertain significance for Early-onset myopathy with fatal cardiomyopathy. Last evaluated: 2018-01-13. Review status: criteria provided, single submitter. Criteria: ICSL Variant Classification Criteria 13 December 2019. Collection method: clinical testing. Allele origin: germline.

Illumina Laboratory Services, Illumina
Classification: Uncertain significance for Dilated cardiomyopathy 1G. Last evaluated: 2018-01-13. Review status: criteria provided, single submitter. Criteria: ICSL Variant Classification Criteria 13 December 2019. Collection method: clinical testing. Allele origin: germline.

Illumina Laboratory Services, Illumina
Classification: Uncertain significance for Autosomal recessive limb-girdle muscular dystrophy type 2J. Last evaluated: 2018-01-13. Review status: criteria provided, single submitter. Criteria: ICSL Variant Classification Criteria 13 December 2019. Collection method: clinical testing. Allele origin: germline.

NM_001267550.2(TTN):c.*1015A>G

Genes: TTN (titin; minus strand), TTN-AS1 (TTN antisense RNA 1; plus strand). Cytogenetic location: 2q31.2.
Variant type: single nucleotide variant.
Coding change: c.*1015A>G on transcript NM_001267550.2 (MANE Select); 1015 bases downstream of the stop codon, A replaced by G.
Molecular consequence: 3 prime UTR variant.
Genome position (GRCh38, 1-based): chr2:178,525,997, T>C on the plus strand (A>G on the coding strand, the complement: TTN is on the minus strand). VCF-style: chr2-178525997-T-C. GRCh37 (hg19) VCF-style: chr2-179390724-T-C.
Other names: c.*1015A>G (NM_133378.4, NM_001256850.1, NM_003319.4 and 2 more transcripts).
Identifiers: ClinVar variation 332662 (VCV000332662.5), dbSNP rs72629798, ClinGen allele CA10612987.
Genomic context (GRCh38, chr2:178,525,997, plus strand): 5'-AAGATGCATACTTCCCCACCCCAGAATTTCACAGAAAACAACCAGCCACACATTTTGAGG[T>C]GCAGATAGCTTGCTTTATTTTGTTGTTACTATCTCAAGGAGGTCCAACAATTATAACTAA-3'